The following is an entry in ClinVar:

ClinVar aggregate classification (germline): Uncertain significance (1 of 4 stars; one submission).

Conditions:
NIK deficiency. Also called: Primary immunodeficiency with multifaceted aberrant lymphoid immunity. Identifiers: Orphanet 447731, MedGen C5680065, MONDO:0018642.

Submission:

Labcorp Genetics (formerly Invitae), Labcorp
Classification: Uncertain significance for NIK deficiency. Last evaluated: 2025-04-14. Review status: criteria provided, single submitter. Criteria: Invitae Variant Classification Sherloc (09022015). Collection method: clinical testing. Allele origin: germline.
Comment: This sequence change replaces methionine, which is neutral and non-polar, with lysine, which is basic and polar, at codon 417 of the MAP3K14 protein (p.Met417Lys). This variant is not present in population databases (gnomAD no frequency). This variant has not been reported in the literature in individuals affected with MAP3K14-related conditions. ClinVar contains an entry for this variant (Variation ID: 2858798). Experimental studies and prediction algorithms are not available or were not evaluated, and the functional significance of this variant is currently unknown. In summary, the available evidence is currently insufficient to determine the role of this variant in disease. Therefore, it has been classified as a Variant of Uncertain Significance.

NM_003954.5(MAP3K14):c.1250T>A (p.Met417Lys)

Gene: MAP3K14 (mitogen-activated protein kinase kinase kinase 14; minus strand). Cytogenetic location: 17q21.31.
Variant type: single nucleotide variant.
Coding change: c.1250T>A on transcript NM_003954.5 (MANE Select); coding-DNA position 1250, T replaced by A.
Protein change: p.Met417Lys; replaces methionine 417 with lysine.
Molecular consequence: missense variant.
Genome position (GRCh38, 1-based): chr17:45,284,852, A>T on the plus strand (T>A on the coding strand, the complement: MAP3K14 is on the minus strand). VCF-style: chr17-45284852-A-T. GRCh37 (hg19) VCF-style: chr17-43362219-A-T.
Other names: short protein forms M417K.
Identifiers: ClinVar variation 2858798 (VCV002858798.3), dbSNP rs2509014997, ClinGen allele CA399886880.